The following is an entry in ClinVar:

NM_005188.4(CBL):c.1253T>C (p.Phe418Ser)

Gene: CBL (Cbl proto-oncogene; plus strand). Cytogenetic location: 11q23.3.
Variant type: single nucleotide variant.
Coding change: c.1253T>C on transcript NM_005188.4 (MANE Select); coding-DNA position 1253, T replaced by C.
Protein change: p.Phe418Ser; replaces phenylalanine 418 with serine.
Molecular consequence: missense variant.
Genome position (GRCh38, 1-based): chr11:119,278,535, T>C. VCF-style: chr11-119278535-T-C. GRCh37 (hg19) VCF-style: chr11-119149245-T-C.
Other names: short protein forms F418S.
Identifiers: ClinVar variation 1327077 (VCV001327077.8), dbSNP rs772156285, ClinGen allele CA6318485.

ClinVar aggregate classification (germline): Conflicting classifications of pathogenicity. Review status: criteria provided, conflicting classifications (1 of 4 stars). 5 submissions from 5 submitters: Likely pathogenic (1); Uncertain significance (4). Last evaluated 2025-02-10.

Conditions:
CBL-related disorder. Also called: CBL MUTATION-ASSOCIATED SYNDROME; CBL SYNDROME; NOONAN SYNDROME-LIKE DISORDER WITHOUT JUVENILE MYELOMONOCYTIC LEUKEMIA. Identifiers: Orphanet 363972, MedGen C3150803, MONDO:0013308, OMIM 613563.
Juvenile myelomonocytic leukemia (JMML). Also called: LEUKEMIA, JUVENILE MYELOMONOCYTIC, SOMATIC. Identifiers: Orphanet 86834, MedGen C0349639, MONDO:0011908, OMIM 607785, HP:0012209.
Cardiovascular phenotype. Identifiers: MedGen CN230736.
RASopathy. Also called: Noonan spectrum disorder; rasopathies. Identifiers: Orphanet 536391, MedGen C5555857, MONDO:0021060.

Allele frequency attached by ClinVar (database versions not stated): ExAC 0.00001; 1000 Genomes Project 30x 0.00016.

Submissions (5):

Labcorp Genetics (formerly Invitae), Labcorp
Classification: Uncertain significance for RASopathy. Last evaluated: 2025-02-10. Review status: criteria provided, single submitter. Criteria: Invitae Variant Classification Sherloc (09022015). Collection method: clinical testing. Allele origin: germline.
Comment: This sequence change replaces phenylalanine, which is neutral and non-polar, with serine, which is neutral and polar, at codon 418 of the CBL protein (p.Phe418Ser). This variant is not present in population databases (gnomAD no frequency). This missense change has been observed in individual(s) with neutrophilic dermatosis (PMID: 23823657). ClinVar contains an entry for this variant (Variation ID: 1327077). Invitae Evidence Modeling of protein sequence and biophysical properties (such as structural, functional, and spatial information, amino acid conservation, physicochemical variation, residue mobility, and thermodynamic stability) indicates that this missense variant is expected to disrupt CBL protein function with a positive predictive value of 95%. In summary, the available evidence is currently insufficient to determine the role of this variant in disease. Therefore, it has been classified as a Variant of Uncertain Significance.

MVZ Medizinische Genetik Mainz
Classification: Likely pathogenic for CBL-related disorder. Last evaluated: 2024-01-30. Review status: criteria provided, single submitter. Criteria: UK Practice Guidelines For Variant Classification V4 01 2020. Collection method: clinical testing. Allele origin: germline. Inheritance: Autosomal dominant inheritance. Affected: yes. Observed: 1 variant allele.
Comment: ACMG Criteria: PP3_STR,PS4_MOD,PM1_SUP,PM2_SUP,PM5_SUP

Ambry Genetics
Classification: Uncertain significance for Cardiovascular phenotype. Last evaluated: 2023-09-25. Review status: criteria provided, single submitter. Criteria: Ambry Variant Classification Scheme 2023. Collection method: clinical testing. Allele origin: germline.
Comment: The p.F418S variant (also known as c.1253T>C), located in coding exon 9 of the CBL gene, results from a T to C substitution at nucleotide position 1253. The phenylalanine at codon 418 is replaced by serine, an amino acid with highly dissimilar properties. This variant has been detected in individuals with hematological disorders or myelodysplastic/myeloproliferative neoplasms (Kohlmann A et al. J Clin Oncol, 2010 Aug;28:3858-65; Ad&eacute;la&iuml;de J et al. Leukemia, 2010 Aug;24:1539-41; Kao HW et al. Neoplasia, 2011 Nov;13:1035-42; Schnittger S et al. Haematologica, 2012 Dec;97:1890-4; Bogucka-Fedorczuk A et al. Cent Eur J Immunol, 2021 Apr;46:121-126). This amino acid position is highly conserved in available vertebrate species. In addition, this alteration is predicted to be deleterious by in silico analysis. Since supporting evidence is limited at this time, the clinical significance of this alteration remains unclear.

GeneDx
Classification: Uncertain significance. Last evaluated: 2022-04-06. Review status: criteria provided, single submitter. Criteria: GeneDx Variant Classification Process June 2021. Collection method: clinical testing. Allele origin: germline. Affected: yes.
Comment: In silico analysis supports that this missense variant has a deleterious effect on protein structure/function; This variant is associated with the following publications: (PMID: 35236052, 25510280, 20619386, 22315494, 22131879, 25952305, 20880116, 34026204, 22733026, 20644105, 23823657)

Baylor Genetics
Classification: Uncertain significance for Juvenile myelomonocytic leukemia. Last evaluated: 2021-10-26. Review status: criteria provided, single submitter. Criteria: ACMG Guidelines, 2015. Collection method: clinical testing. Allele origin: unknown. Affected: yes. Study: CSER-TexasKidsCanSeq.
Comment: This variant was determined to be of uncertain significance according to ACMG Guidelines, 2015 [PMID:25741868].

Literature cited by the submitters: PubMed 23823657 (cited by Labcorp Genetics (formerly Invitae), Labcorp and Ambry Genetics); PubMed 20555362 (cited by Ambry Genetics); PubMed 20644105 (cited by Ambry Genetics); PubMed 20880116 (cited by Ambry Genetics); PubMed 21681191 (cited by Ambry Genetics); PubMed 22131879 (cited by Ambry Genetics); PubMed 22733026 (cited by Ambry Genetics); PubMed 33897294 (cited by Ambry Genetics); PubMed 35236052 (cited by Ambry Genetics).